The following is an entry in ClinVar:

ClinVar aggregate classification (germline): Uncertain significance (1 of 4 stars; one submission).

Submission:

GeneDx
Classification: Uncertain significance. Last evaluated: 2024-10-01. Review status: criteria provided, single submitter. Criteria: GeneDx Variant Classification Process June 2021. Collection method: clinical testing. Allele origin: germline. Affected: yes.
Comment: Not observed at significant frequency in large population cohorts (gnomAD); In silico analysis supports that this missense variant has a deleterious effect on protein structure/function; Has not been previously published as pathogenic or benign to our knowledge; This substitution is predicted to be within the extracellular loop between the S5 and S6 transmembrane segments of the fourth homologous domain

NM_001040142.2(SCN2A):c.5082G>A (p.Met1694Ile)

Gene: SCN2A (sodium voltage-gated channel alpha subunit 2; plus strand). Cytogenetic location: 2q24.3.
Variant type: single nucleotide variant.
Coding change: c.5082G>A on transcript NM_001040142.2 (MANE Select); coding-DNA position 5082, G replaced by A.
Protein change: p.Met1694Ile; replaces methionine 1694 with isoleucine.
Molecular consequence: missense variant.
Genome position (GRCh38, 1-based): chr2:165,388,888, G>A. VCF-style: chr2-165388888-G-A. GRCh37 (hg19) VCF-style: chr2-166245398-G-A.
Other names: c.5082G>A, p.Met1694Ile (NM_001040143.2, NM_001371246.1, NM_001371247.1 and 1 more transcripts); short protein forms M1694I.
Identifiers: ClinVar variation 3776537 (VCV003776537.1).